The following is an entry in ClinVar:

ClinVar aggregate classification (germline): Pathogenic. Review status: criteria provided, multiple submitters, no conflicts (2 of 4 stars). 7 submissions from 7 submitters: Pathogenic (7). Last evaluated 2026-01-01.

Conditions:
Thyroid dyshormonogenesis 6 (TDH6). Also called: HYPOTHYROIDISM, CONGENITAL, DUE TO DYSHORMONOGENESIS, 6; THYROID HORMONOGENESIS, GENETIC DEFECT IN, 6; Genetic transient congenital hypothyroidism. Identifiers: Orphanet 226316, Orphanet 95716, MedGen C1846632, MONDO:0011792, OMIM 607200.

gnomAD v4.1: 89 of 1,613,944 alleles (0.0055%); highest among the groups gnomAD compares: East Asian, 0.094%; no homozygotes.

Submissions (7):

Labcorp Genetics (formerly Invitae), Labcorp
Classification: Pathogenic. Last evaluated: 2026-01-01. Review status: criteria provided, single submitter. Criteria: Invitae Variant Classification Sherloc (09022015). Collection method: clinical testing. Allele origin: germline.
Comment: This sequence change replaces arginine, which is basic and polar, with glutamine, which is neutral and polar, at codon 885 of the DUOX2 protein (p.Arg885Gln). This variant also falls at the last nucleotide of exon 20, which is part of the consensus splice site for this exon. This variant is present in population databases (rs181461079, gnomAD 0.1%). This missense change has been observed in individuals with clinical features of DUOX2-related conditions (PMID: 18765513, 25248169, 27349010, 27821020, 29650690, 30022773, 30154845). It has also been observed to segregate with disease in related individuals. ClinVar contains an entry for this variant (Variation ID: 1458737). An algorithm developed to predict the effect of missense changes on protein structure and function (PolyPhen-2) suggests that this variant is likely to be tolerated. Experimental studies have shown that this missense change affects DUOX2 function (PMID: 25248169). Variants that disrupt the consensus splice site are a relatively common cause of aberrant splicing (PMID: 17576681, 9536098). Algorithms developed to predict the effect of sequence changes on RNA splicing suggest that this variant may disrupt the consensus splice site. For these reasons, this variant has been classified as Pathogenic.

First Genomix Gene Laboratory, Genetic Diagnostics Department
Classification: Pathogenic for Thyroid dyshormonogenesis 6. Last evaluated: 2025-05-26. Review status: criteria provided, single submitter. Criteria: ACMG Guidelines, 2015. Collection method: clinical testing. Allele origin: germline. Inheritance: Autosomal recessive inheritance. Affected: no. Observed: 1 variant allele.

Fulgent Genetics
Classification: Pathogenic for Thyroid dyshormonogenesis 6. Last evaluated: 2024-05-23. Review status: criteria provided, single submitter. Criteria: ACMG Guidelines, 2015. Collection method: clinical testing. Allele origin: germline.

Women's Health and Genetics/Laboratory Corporation of America, LabCorp
Classification: Pathogenic for Thyroid dyshormonogenesis 6. Last evaluated: 2023-06-29. Review status: criteria provided, single submitter. Criteria: LabCorp Variant Classification Summary - May 2015. Collection method: clinical testing. Allele origin: germline.
Comment: Variant summary: DUOX2 c.2654G>A (p.Arg885Gln) results in a conservative amino acid change located in the EF-hand domain (IPR002048) of the encoded protein sequence. Three of five in-silico tools predict a damaging effect of the variant on protein function. Several computational tools predict a significant impact on normal splicing: Three predict the variant abolishes a canonical 5' splicing donor site and two predict the variant creates a cryptic 3' splicing acceptor site 1nt downstream into intron 20. However, these predictions have yet to be confirmed by functional studies. The variant allele was found at a frequency of 0.00012 in 251466 control chromosomes (gnomAD). c.2654G>A has been reported in the literature as a biallelic genotype in multiple individuals affected with Thyroid Dyshormonogenesis (e.g. Maruo_2008, Sorapipatcharoen_2020, tanaka_2020, Sun_2021). These data indicate that the variant is very likely to be associated with disease. In transfected A549 cells, the variant had ~10% residual activity (Jin_2014) and in Cos-7 cells, the variant had ~20% residual activity compared to wild-type (Sun_2021). The following publications have been ascertained in the context of this evaluation (PMID: 25248169, 18765513, 33310921, 34564849, 32469330). Two ClinVar submitters have assessed the variant since 2014: one classified the variant as likely pathogenic, and one as pathogenic. Based on the evidence outlined above, the variant was classified as pathogenic.

GeneDx
Classification: Pathogenic. Last evaluated: 2022-12-27. Review status: criteria provided, single submitter. Criteria: GeneDx Variant Classification Process June 2021. Collection method: clinical testing. Allele origin: germline. Affected: yes.
Comment: Published functional studies demonstrate a damaging effect by impairment of hydrogen peroxide generation (Jin et al., 2014); Alters the last nucleotide of the exon and is predicted to destroy the splice donor site and result in aberrant splicing, although in the absence of functional evidence the actual effect of this sequence change is unknown; In silico analysis supports that this missense variant has a deleterious effect on protein structure/function; This variant is associated with the following publications: (PMID: 34539567, 27821020, 30022773, 29650690, 32459320, 18765513, 25248169, 27349010, 30154845)

Medical Genetics Center, Maternal and Child Health Hospital of Hubei Province
Classification: Pathogenic for Thyroid dyshormonogenesis 6. Last evaluated: 2022-04-08. Review status: criteria provided, single submitter. Criteria: ACMG Guidelines, 2015. Collection method: clinical testing. Allele origin: maternal. Affected: yes.
Comment: PS3 + PM3_Strong + PM1 + PM2 + PM5 + PP1_Moderate + PP3

Juno Genomics, Hangzhou Juno Genomics, Inc
Classification: Pathogenic for Thyroid dyshormonogenesis 6. Review status: criteria provided, single submitter. Criteria: ACMG Guidelines, 2015. Collection method: clinical testing. Allele origin: germline. Affected: yes.
Comment: For recessive disorders, detected in trans with a pathogenic variant.;Patient's phenotype or family history is highly specific for a disease with a single genetic etiology.;Co-segregation with disease in multiple affected family members in a gene definitively known to cause the disease.;Novel missense change at an amino acid residue where a different missense change determined to be pathogenic has been seen before.

Literature cited by the submitters: PubMed 18765513 (cited by 3 submitters); PubMed 25248169 (cited by 3 submitters); PubMed 27349010 (cited by Labcorp Genetics (formerly Invitae), Labcorp); PubMed 27821020 (cited by Labcorp Genetics (formerly Invitae), Labcorp and Medical Genetics Center, Maternal and Child Health Hospital of Hubei Province); PubMed 29650690 (cited by Labcorp Genetics (formerly Invitae), Labcorp and Medical Genetics Center, Maternal and Child Health Hospital of Hubei Province); PubMed 30022773 (cited by Labcorp Genetics (formerly Invitae), Labcorp and Medical Genetics Center, Maternal and Child Health Hospital of Hubei Province); PubMed 30154845 (cited by Labcorp Genetics (formerly Invitae), Labcorp and Medical Genetics Center, Maternal and Child Health Hospital of Hubei Province); PubMed 17576681 (cited by Labcorp Genetics (formerly Invitae), Labcorp); PubMed 9536098 (cited by Labcorp Genetics (formerly Invitae), Labcorp); PubMed 34564849 (cited by Women's Health and Genetics/Laboratory Corporation of America, LabCorp); PubMed 33310921 (cited by Women's Health and Genetics/Laboratory Corporation of America, LabCorp); PubMed 32469330 (cited by Women's Health and Genetics/Laboratory Corporation of America, LabCorp); PubMed 28541007 (cited by Medical Genetics Center, Maternal and Child Health Hospital of Hubei Province); PubMed 32425884 (cited by Medical Genetics Center, Maternal and Child Health Hospital of Hubei Province); PubMed 32319661 (cited by Medical Genetics Center, Maternal and Child Health Hospital of Hubei Province); PubMed 30894704 (cited by Medical Genetics Center, Maternal and Child Health Hospital of Hubei Province); PubMed 30512158 (cited by Medical Genetics Center, Maternal and Child Health Hospital of Hubei Province); PubMed 32459320 (cited by Medical Genetics Center, Maternal and Child Health Hospital of Hubei Province).

NM_001363711.2(DUOX2):c.2654G>A (p.Arg885Gln)

Gene: DUOX2 (dual oxidase 2; minus strand). Cytogenetic location: 15q21.1.
Variant type: single nucleotide variant.
Coding change: c.2654G>A on transcript NM_001363711.2 (MANE Select); coding-DNA position 2654, G replaced by A.
Protein change: p.Arg885Gln; replaces arginine 885 with glutamine.
Molecular consequence: missense variant.
Genome position (GRCh38, 1-based): chr15:45,103,960, C>T on the plus strand (G>A on the coding strand, the complement: DUOX2 is on the minus strand). VCF-style: chr15-45103960-C-T. GRCh37 (hg19) VCF-style: chr15-45396158-C-T.
Other names: c.2654G>A, p.Arg885Gln (NM_014080.5); short protein forms R885Q.
Identifiers: ClinVar variation 1458737 (VCV001458737.14), dbSNP rs181461079, ClinGen allele CA7538197.